The following is an entry in ClinVar:

NM_130839.5(UBE3A):c.2416A>G (p.Thr806Ala)

Genes: SNHG14 (small nucleolar RNA host gene 14; plus strand), UBE3A (ubiquitin protein ligase E3A; minus strand). Cytogenetic location: 15q11.2.
Variant type: single nucleotide variant.
Coding change: c.2416A>G on transcript NM_130839.5 (MANE Select); coding-DNA position 2416, A replaced by G.
Protein change: p.Thr806Ala; replaces threonine 806 with alanine.
Molecular consequence: missense variant. On other transcripts: non-coding transcript variant (1).
Genome position (GRCh38, 1-based): chr15:25,340,167, T>C on the plus strand (A>G on the coding strand, the complement: UBE3A is on the minus strand). VCF-style: chr15-25340167-T-C. GRCh37 (hg19) VCF-style: chr15-25585314-T-C.
Other names: c.2425A>G, p.Thr809Ala (NM_000462.5); c.2416A>G, p.Thr806Ala (NM_001354505.1, NM_001354538.2); c.2356A>G, p.Thr786Ala (NM_001354506.2, NM_001354507.2, NM_001354508.2 and 14 more transcripts); c.2260A>G, p.Thr754Ala (NM_001354545.2); c.2239A>G, p.Thr747Ala (NM_001354546.2); c.2200A>G, p.Thr734Ala (NM_001354547.2, NM_001354548.2); c.2191A>G, p.Thr731Ala (NM_001354549.2); c.1165A>G, p.Thr389Ala (NM_001354550.2); and 1 more; short protein forms T734A, T747A, T809A, T389A, T754A, T369A, T731A, T786A.
Identifiers: ClinVar variation 1043090 (VCV001043090.7), dbSNP rs2074503291, ClinGen allele CA391351127.

ClinVar aggregate classification (germline): Uncertain significance (1 of 4 stars; one submission).

Conditions:
Angelman syndrome (AS). Also called: HAPPY PUPPET SYNDROME. Identifiers: Orphanet 72, MedGen C0162635, MONDO:0007113, OMIM 105830. Disease mechanism: loss of function. Inheritance: AS is caused by disruption of maternally imprinted UBE3A located within the 15q11.2-q13 Angelman syndrome/Prader-Willi syndrome (AS/PWS) region., imprinting disorder.

Allele frequency attached by ClinVar (database versions not stated): gnomAD exomes below 0.00001.
gnomAD v4.1: 1 of 1,614,116 alleles (0.000062%); highest among the groups gnomAD compares: Non-Finnish European, 0.000085%; no homozygotes.

Submission:

Labcorp Genetics (formerly Invitae), Labcorp
Classification: Uncertain significance for Angelman syndrome. Last evaluated: 2020-03-02. Review status: criteria provided, single submitter. Criteria: Invitae Variant Classification Sherloc (09022015). Collection method: clinical testing. Allele origin: germline.
Comment: In summary, the available evidence is currently insufficient to determine the role of this variant in disease. Therefore, it has been classified as a Variant of Uncertain Significance. Algorithms developed to predict the effect of missense changes on protein structure and function are either unavailable or do not agree on the potential impact of this missense change (SIFT: "Not Available"; PolyPhen-2: "Benign"; Align-GVGD: "Not Available"). This variant has not been reported in the literature in individuals with UBE3A-related conditions. This variant is not present in population databases (ExAC no frequency). This sequence change replaces threonine with alanine at codon 786 of the UBE3A protein (p.Thr786Ala). The threonine residue is moderately conserved and there is a small physicochemical difference between threonine and alanine.